The following is an entry in ClinVar:

NM_000789.4(ACE):c.2527del (p.Gln843fs)

Gene: ACE (angiotensin I converting enzyme; plus strand). Cytogenetic location: 17q23.3.
Variant type: Deletion.
Coding change: c.2527del on transcript NM_000789.4 (MANE Select); coding-DNA position 2527, one base deleted (C; older notation c.2527delC).
Protein change: p.Gln843fs; shifts the reading frame from glutamine 843.
Molecular consequence: frameshift variant. On other transcripts: non-coding transcript variant (1), intron variant (1).
Genome position (GRCh38, 1-based): chr17:63,489,018, C deleted; the last of 2 consecutive C bases (chr17:63,489,017-63,489,018); deleting either gives the same sequence. VCF-style (leftmost placement, unchanged base first): chr17-63489016-TC-T. GRCh37 (hg19) VCF-style: chr17-61566377-TC-T.
Other names: c.1960del, p.Gln654fs (NM_001382700.1); c.1675del, p.Gln559fs (NM_001382701.1); c.805del, p.Gln269fs (NM_152830.3, NM_001178057.2); c.379+227del (NM_001382702.1); short protein forms Q269fs, Q559fs, Q654fs, Q843fs.
Identifiers: ClinVar variation 5019554 (VCV005019554.2).

ClinVar aggregate classification (germline): Likely pathogenic (1 of 4 stars; one submission).

Conditions:
Renal tubular dysgenesis of genetic origin. Also called: PRIMITIVE RENAL TUBULE SYNDROME. Identifiers: Orphanet 97369, MedGen C5681536, MONDO:0009970, OMIM 267430.

Submission:

Juno Genomics, Hangzhou Juno Genomics, Inc
Classification: Likely pathogenic for Renal tubular dysgenesis of genetic origin. Review status: criteria provided, single submitter. Criteria: ACMG Guidelines, 2015. Collection method: clinical testing. Allele origin: germline.
Comment: Absent from controls (or at extremely low frequency if recessive) in Genome Aggregation Database.;Null variant in a gene where loss of function (LOF) is a known mechanism of disease.